The following is an entry in ClinVar:

ClinVar aggregate classification (germline): Likely benign. Review status: criteria provided, multiple submitters, no conflicts (2 of 4 stars). 2 submissions from 2 submitters: Likely benign (2). Last evaluated 2025-12-30.

Allele frequency attached by ClinVar (database versions not stated): gnomAD 0.00003; TOPMed 0.00003.
gnomAD v4.1: 142 of 1,614,078 alleles (0.0088%); highest among the groups gnomAD compares: Non-Finnish European, 0.012%; no homozygotes.

Submissions (2):

Women's Health and Genetics/Laboratory Corporation of America, LabCorp
Classification: Likely benign. Last evaluated: 2025-12-30. Review status: criteria provided, single submitter. Criteria: LabCorp Variant Classification Summary - May 2015. Collection method: clinical testing. Allele origin: germline.
Comment: Variant summary: SON c.3731C>G (p.Ala1244Gly) results in a non-conservative amino acid change in the encoded protein sequence. Algorithms developed to predict the effect of missense changes on protein structure and function are either unavailable or do not agree on the potential impact of this missense change. The variant allele was found at a frequency of 8.8e-05 in 1614078 control chromosomes. To our knowledge, no occurrence of c.3731C>G in individuals affected with SON-related conditions and no experimental evidence demonstrating its impact on protein function have been reported. ClinVar contains an entry for this variant (Variation ID: 1978796). Based on the evidence outlined above, the variant was classified as likely benign.

Labcorp Genetics (formerly Invitae), Labcorp
Classification: Likely benign. Last evaluated: 2025-01-13. Review status: criteria provided, single submitter. Criteria: Invitae Variant Classification Sherloc (09022015). Collection method: clinical testing. Allele origin: germline.

NM_138927.4(SON):c.3731C>G (p.Ala1244Gly)

Gene: SON (SON DNA and RNA binding protein; plus strand). Cytogenetic location: 21q22.11.
Variant type: single nucleotide variant.
Coding change: c.3731C>G on transcript NM_138927.4 (MANE Select); coding-DNA position 3731, C replaced by G.
Protein change: p.Ala1244Gly; replaces alanine 1244 with glycine.
Molecular consequence: missense variant. On other transcripts: non-coding transcript variant (1), intron variant (1).
Genome position (GRCh38, 1-based): chr21:33,552,962, C>G. VCF-style: chr21-33552962-C-G. GRCh37 (hg19) VCF-style: chr21-34925268-C-G.
Other names: c.3731C>G, p.Ala1244Gly (NM_001291411.2, NM_001412133.1, NM_032195.3 and 2 more transcripts); c.245-4194C>G (NM_001291412.3); short protein forms A1244G.
Identifiers: ClinVar variation 1978796 (VCV001978796.5), dbSNP rs773190295, ClinGen allele CA10009354.